The following is an entry in ClinVar:

NM_001378778.1(MPDZ):c.5197G>A (p.Gly1733Arg)

Gene: MPDZ (multiple PDZ domain crumbs cell polarity complex component; minus strand). Cytogenetic location: 9p23.
Variant type: single nucleotide variant.
Coding change: c.5197G>A on transcript NM_001378778.1 (MANE Select); coding-DNA position 5197, G replaced by A.
Protein change: p.Gly1733Arg; replaces glycine 1733 with arginine.
Molecular consequence: missense variant.
Genome position (GRCh38, 1-based): chr9:13,121,773, C>T on the plus strand (G>A on the coding strand, the complement: MPDZ is on the minus strand). VCF-style: chr9-13121773-C-T. GRCh37 (hg19) VCF-style: chr9-13121772-C-T.
Other names: c.5098G>A, p.Gly1700Arg (NM_001261406.2, NM_001261407.2, NM_001375416.1 and 3 more transcripts); c.5197G>A, p.Gly1733Arg (NM_001330637.2, NM_003829.5); c.5296G>A, p.Gly1766Arg (NM_001375413.1); c.4987G>A, p.Gly1663Arg (NM_001375420.1, NM_001375421.1, NM_001375422.1 and 4 more transcripts); c.4789G>A, p.Gly1597Arg (NM_001375427.1); c.5197G>A (NM_003829.3); short protein forms G1597R, G1663R, G1700R, G1766R, G1733R.
Identifiers: ClinVar variation 1438682 (VCV001438682.7), dbSNP rs774206866, ClinGen allele CA4986405.

ClinVar aggregate classification (germline): Uncertain significance. Review status: criteria provided, multiple submitters, no conflicts (2 of 4 stars). 2 submissions from 2 submitters: Uncertain significance (2). Last evaluated 2026-04-20.

Conditions:
Inborn genetic diseases. Identifiers: MedGen C0950123, MeSH D030342.

Allele frequency attached by ClinVar (database versions not stated): gnomAD exomes below 0.00001; TOPMed below 0.00001; ExAC 0.00001; gnomAD 0.00001.
gnomAD v4.1: 9 of 1,613,824 alleles (0.00056%); highest among the groups gnomAD compares: Non-Finnish European, 0.00059%; no homozygotes.

Submissions (2):

Ambry Genetics
Classification: Uncertain significance for Inborn genetic diseases. Last evaluated: 2026-04-20. Review status: criteria provided, single submitter. Criteria: Ambry Variant Classification Scheme 2023. Collection method: clinical testing. Allele origin: germline.
Comment: The c.5197G>A (p.G1733R) alteration is located in exon 37 (coding exon 37) of the MPDZ gene. This alteration results from a G to A substitution at nucleotide position 5197, causing the glycine (G) at amino acid position 1733 to be replaced by an arginine (R). Based on data from gnomAD, the A allele has an overall frequency of <0.001% (1/249260) total alleles studied. The highest observed frequency was 0.001% (1/113010) of European (non-Finnish) alleles. Based on insufficient or conflicting evidence, the clinical significance of this alteration remains unclear.

Labcorp Genetics (formerly Invitae), Labcorp
Classification: Uncertain significance. Last evaluated: 2025-10-01. Review status: criteria provided, single submitter. Criteria: Invitae Variant Classification Sherloc (09022015). Collection method: clinical testing. Allele origin: germline.
Comment: This sequence change replaces glycine, which is neutral and non-polar, with arginine, which is basic and polar, at codon 1733 of the MPDZ protein (p.Gly1733Arg). This variant is present in population databases (rs774206866, gnomAD 0.0009%). This variant has not been reported in the literature in individuals affected with MPDZ-related conditions. ClinVar contains an entry for this variant (Variation ID: 1438682). An algorithm developed to predict the effect of missense changes on protein structure and function (PolyPhen-2) suggests that this variant is likely to be disruptive. In summary, the available evidence is currently insufficient to determine the role of this variant in disease. Therefore, it has been classified as a Variant of Uncertain Significance.